The following is an entry in ClinVar:

ClinVar aggregate classification (germline): Uncertain significance (1 of 4 stars; one submission).

Conditions:
Rubinstein-Taybi syndrome (RSTS). Identifiers: Orphanet 783, MedGen C0035934, MONDO:0019188.

Submission:

Labcorp Genetics (formerly Invitae), Labcorp
Classification: Uncertain significance for Rubinstein-Taybi syndrome. Last evaluated: 2023-12-26. Review status: criteria provided, single submitter. Criteria: Invitae Variant Classification Sherloc (09022015). Collection method: clinical testing. Allele origin: germline.
Comment: This sequence change replaces serine, which is neutral and polar, with arginine, which is basic and polar, at codon 2422 of the CREBBP protein (p.Ser2422Arg). This variant is not present in population databases (gnomAD no frequency). This variant has not been reported in the literature in individuals affected with CREBBP-related conditions. Advanced modeling of protein sequence and biophysical properties (such as structural, functional, and spatial information, amino acid conservation, physicochemical variation, residue mobility, and thermodynamic stability) has been performed at Invitae for this missense variant, however the output from this modeling did not meet the statistical confidence thresholds required to predict the impact of this variant on CREBBP protein function. In summary, the available evidence is currently insufficient to determine the role of this variant in disease. Therefore, it has been classified as a Variant of Uncertain Significance.

NM_004380.3(CREBBP):c.7266C>G (p.Ser2422Arg)

Gene: CREBBP (CREB binding lysine acetyltransferase; minus strand). Cytogenetic location: 16p13.3.
Variant type: single nucleotide variant.
Coding change: c.7266C>G on transcript NM_004380.3 (MANE Select); coding-DNA position 7266, C replaced by G.
Protein change: p.Ser2422Arg; replaces serine 2422 with arginine.
Molecular consequence: missense variant.
Genome position (GRCh38, 1-based): chr16:3,727,781, G>C on the plus strand (C>G on the coding strand, the complement: CREBBP is on the minus strand). VCF-style: chr16-3727781-G-C. GRCh37 (hg19) VCF-style: chr16-3777782-G-C.
Other names: c.7152C>G, p.Ser2384Arg (NM_001079846.1); short protein forms S2422R, S2384R.
Identifiers: ClinVar variation 2863456 (VCV002863456.3), dbSNP rs767532168, ClinGen allele CA394550181.